The following is an entry in ClinVar:

ClinVar aggregate classification (germline): Conflicting classifications of pathogenicity. Review status: criteria provided, conflicting classifications (1 of 4 stars). 2 submissions from 2 submitters: Uncertain significance (1); Benign (1). Last evaluated 2025-12-08.

Conditions:
Cardiovascular phenotype. Identifiers: MedGen CN230736.
Hereditary cancer-predisposing syndrome. Also called: Hereditary Cancer Syndrome; Hereditary neoplastic syndrome; Tumor predisposition; Neoplastic Syndromes, Hereditary. Identifiers: Orphanet 140162, MedGen C0027672, MeSH D009386, MONDO:0015356.
Neurofibromatosis, type 1 (NF1). Also called: VON RECKLINGHAUSEN DISEASE; NEUROFIBROMATOSIS, TYPE I, SOMATIC; Peripheral type neurofibromatosis; Neurofibromatosis, type I. Identifiers: Orphanet 636, MedGen C0027831, MONDO:0018975, OMIM 162200. Disease mechanism: loss of function.

Submissions (2):

Labcorp Genetics (formerly Invitae), Labcorp
Classification: Benign for Neurofibromatosis, type 1. Last evaluated: 2025-12-08. Review status: criteria provided, single submitter. Criteria: Invitae Variant Classification Sherloc (09022015). Collection method: clinical testing. Allele origin: germline.

Ambry Genetics
Classification: Uncertain significance for Cardiovascular phenotype; Hereditary cancer-predisposing syndrome. Last evaluated: 2024-01-11. Review status: criteria provided, single submitter. Criteria: Ambry Variant Classification Scheme 2023. Collection method: clinical testing. Allele origin: germline.
Comment: The p.L2369F variant (also known as c.7107G>C), located in coding exon 47 of the NF1 gene, results from a G to C substitution at nucleotide position 7107. The leucine at codon 2369 is replaced by phenylalanine, an amino acid with highly similar properties. This amino acid position is highly conserved in available vertebrate species. In addition, the in silico prediction for this alteration is inconclusive. Since supporting evidence is limited at this time, the clinical significance of this alteration remains unclear.

NM_001042492.3(NF1):c.7170G>C (p.Leu2390Phe)

Gene: NF1 (neurofibromin 1; plus strand). Cytogenetic location: 17q11.2.
Variant type: single nucleotide variant.
Coding change: c.7170G>C on transcript NM_001042492.3 (MANE Select); coding-DNA position 7170, G replaced by C.
Protein change: p.Leu2390Phe; replaces leucine 2390 with phenylalanine.
Molecular consequence: missense variant.
Genome position (GRCh38, 1-based): chr17:31,343,116, G>C. VCF-style: chr17-31343116-G-C. GRCh37 (hg19) VCF-style: chr17-29670134-G-C.
Other names: c.7107G>C, p.Leu2369Phe (NM_000267.4); short protein forms L2369F, L2390F.
Identifiers: ClinVar variation 457824 (VCV000457824.6), dbSNP rs751081026, ClinGen allele CA399015748.